The following is an entry in ClinVar:

NM_000548.5(TSC2):c.2823C>G (p.Asn941Lys)

Gene: TSC2 (TSC complex subunit 2; plus strand). Cytogenetic location: 16p13.3.
Variant type: single nucleotide variant.
Coding change: c.2823C>G on transcript NM_000548.5 (MANE Select); coding-DNA position 2823, C replaced by G.
Protein change: p.Asn941Lys; replaces asparagine 941 with lysine.
Molecular consequence: missense variant.
Genome position (GRCh38, 1-based): chr16:2,076,571, C>G. VCF-style: chr16-2076571-C-G. GRCh37 (hg19) VCF-style: chr16-2126572-C-G.
Other names: c.2823C>G, p.Asn941Lys (NM_001077183.3, NM_001114382.3, NM_001363528.2 and 6 more transcripts); c.2712C>G, p.Asn904Lys (NM_001318827.2, NM_001406670.1, NM_001406678.1); c.2676C>G, p.Asn892Lys (NM_001318829.2, NM_001406675.1, NM_001406676.1 and 1 more transcripts); c.2223C>G, p.Asn741Lys (NM_001318831.2, NM_001406685.1, NM_001406686.1 and 6 more transcripts); c.2856C>G, p.Asn952Lys (NM_001318832.2); c.2811C>G, p.Asn937Lys (NM_001406671.1, NM_001406673.1); c.1479C>G, p.Asn493Lys (NM_001406692.1, NM_001406693.1, NM_001406694.1 and 6 more transcripts); c.2913C>G, p.Asn971Lys (NM_001406667.1, NM_001406668.1); and 3 more; short protein forms N407K, N787K, N941K, N952K, N971K, N904K, N922K, N493K.
Identifiers: ClinVar variation 1946059 (VCV001946059.7), dbSNP rs750806272, ClinGen allele CA394280209.

ClinVar aggregate classification (germline): Uncertain significance. Review status: criteria provided, multiple submitters, no conflicts (2 of 4 stars). 3 submissions from 3 submitters: Uncertain significance (3). Last evaluated 2025-08-20.

Conditions:
Tuberous sclerosis 2 (TSC2). Identifiers: Orphanet 805, MedGen C1860707, MONDO:0013199, OMIM 613254.
Lymphangiomyomatosis (LAM). Also called: Lymphangioleiomyomatosis, somatic; Lymphangioleiomyomatosis. Identifiers: Orphanet 538, MedGen C0751674, MONDO:0011705, OMIM 606690.
Isolated focal cortical dysplasia type II (FCORD2). Also called: Focal cortical dysplasia type II; CORTICAL DYSPLASIA OF TAYLOR. Identifiers: Orphanet 268994, MedGen C1846385, MONDO:0011818, OMIM 607341, HP:0032051.
Hereditary cancer-predisposing syndrome. Also called: Neoplastic Syndromes, Hereditary; Hereditary neoplastic syndrome; Tumor predisposition; Hereditary Cancer Syndrome. Identifiers: Orphanet 140162, MedGen C0027672, MeSH D009386, MONDO:0015356.

gnomAD v4.1: 1 of 1,613,242 alleles (0.000062%); highest among the groups gnomAD compares: Non-Finnish European, 0.000085%; no homozygotes.

Submissions (3):

Ambry Genetics
Classification: Uncertain significance for Hereditary cancer-predisposing syndrome. Last evaluated: 2025-08-20. Review status: criteria provided, single submitter. Criteria: Ambry Variant Classification Scheme 2023. Collection method: clinical testing. Allele origin: germline.
Comment: The p.N941K variant (also known as c.2823C>G), located in coding exon 24 of the TSC2 gene, results from a C to G substitution at nucleotide position 2823. The asparagine at codon 941 is replaced by lysine, an amino acid with similar properties. This amino acid position is conserved. In addition, the in silico prediction for this alteration is inconclusive. Based on the available evidence, the clinical significance of this variant remains unclear.

Fulgent Genetics
Classification: Uncertain significance for Lymphangiomyomatosis; Isolated focal cortical dysplasia type II; Tuberous sclerosis 2. Last evaluated: 2024-04-12. Review status: criteria provided, single submitter. Criteria: ACMG Guidelines, 2015. Collection method: clinical testing. Allele origin: germline.

Labcorp Genetics (formerly Invitae), Labcorp
Classification: Uncertain significance for Tuberous sclerosis 2. Last evaluated: 2022-02-18. Review status: criteria provided, single submitter. Criteria: Invitae Variant Classification Sherloc (09022015). Collection method: clinical testing. Allele origin: germline.
Comment: Advanced modeling of protein sequence and biophysical properties (such as structural, functional, and spatial information, amino acid conservation, physicochemical variation, residue mobility, and thermodynamic stability) performed at Invitae indicates that this missense variant is not expected to disrupt TSC2 protein function. In summary, the available evidence is currently insufficient to determine the role of this variant in disease. Therefore, it has been classified as a Variant of Uncertain Significance. This variant has not been reported in the literature in individuals affected with TSC2-related conditions. This variant is not present in population databases (gnomAD no frequency). This sequence change replaces asparagine, which is neutral and polar, with lysine, which is basic and polar, at codon 941 of the TSC2 protein (p.Asn941Lys).